The following is an entry in ClinVar:

NM_001844.5(COL2A1):c.4370C>G (p.Thr1457Ser)

Gene: COL2A1 (collagen type II alpha 1 chain; minus strand). Cytogenetic location: 12q13.11.
Variant type: single nucleotide variant.
Coding change: c.4370C>G on transcript NM_001844.5 (MANE Select); coding-DNA position 4370, C replaced by G.
Protein change: p.Thr1457Ser; replaces threonine 1457 with serine.
Molecular consequence: missense variant.
Genome position (GRCh38, 1-based): chr12:47,973,501, G>C on the plus strand (C>G on the coding strand, the complement: COL2A1 is on the minus strand). VCF-style: chr12-47973501-G-C. GRCh37 (hg19) VCF-style: chr12-48367284-G-C.
Other names: c.4163C>G, p.Thr1388Ser (NM_033150.3); short protein forms T1388S, T1457S.
Identifiers: ClinVar variation 2708952 (VCV002708952.3), dbSNP rs2540091418, ClinGen allele CA384533262.
Genomic context (GRCh38, chr12:47,973,501, plus strand): 5'-AATTCCTGCTCGGGCCCTCCTATGTCCATGGGTGCAATGTCAATGATGGGGAGGCGTGAG[G>C]TCTTCTGTGACCGGTACTCGATAACAGTCTTGCCCCACTTACCGGTATGTTTCTAGGGGA-3'
Protein context (NP_001835.3, residues 1447-1467): KTVIEYRSQK[Thr1457Ser]SRLPIIDIAP

ClinVar aggregate classification (germline): Uncertain significance (1 of 4 stars; one submission).

Submission:

Labcorp Genetics (formerly Invitae), Labcorp
Classification: Uncertain significance. Last evaluated: 2024-01-11. Review status: criteria provided, single submitter. Criteria: Invitae Variant Classification Sherloc (09022015). Collection method: clinical testing. Allele origin: germline.
Comment: This sequence change replaces threonine, which is neutral and polar, with serine, which is neutral and polar, at codon 1457 of the COL2A1 protein (p.Thr1457Ser). This variant is not present in population databases (gnomAD no frequency). This variant has not been reported in the literature in individuals affected with COL2A1-related conditions. Advanced modeling of protein sequence and biophysical properties (such as structural, functional, and spatial information, amino acid conservation, physicochemical variation, residue mobility, and thermodynamic stability) performed at Invitae indicates that this missense variant is not expected to disrupt COL2A1 protein function with a negative predictive value of 95%. In summary, the available evidence is currently insufficient to determine the role of this variant in disease. Therefore, it has been classified as a Variant of Uncertain Significance.